The following is an entry in ClinVar:

NM_004525.3(LRP2):c.3122A>G (p.Asn1041Ser)

Gene: LRP2 (LDL receptor related protein 2; minus strand). Cytogenetic location: 2q31.1.
Variant type: single nucleotide variant.
Coding change: c.3122A>G on transcript NM_004525.3 (MANE Select); coding-DNA position 3122, A replaced by G.
Protein change: p.Asn1041Ser; replaces asparagine 1041 with serine.
Molecular consequence: missense variant.
Genome position (GRCh38, 1-based): chr2:169,246,773, T>C on the plus strand (A>G on the coding strand, the complement: LRP2 is on the minus strand). VCF-style: chr2-169246773-T-C. GRCh37 (hg19) VCF-style: chr2-170103283-T-C.
Other names: p.Asn1041Ser; short protein forms N1041S.
Identifiers: ClinVar variation 332182 (VCV000332182.19), dbSNP rs143028579, ClinGen allele CA1955125.

ClinVar aggregate classification (germline): Likely benign. Review status: criteria provided, multiple submitters, no conflicts (2 of 4 stars). 7 submissions from 7 submitters: Likely benign (5). 2 of the submissions do not count toward it. Last evaluated 2026-01-25.

Conditions:
LRP2-related disorder. Also called: LRP2-related condition.
Donnai-Barrow syndrome. Also called: DBS/FOAR SYNDROME; FACIOOCULOACOUSTICORENAL SYNDROME. Identifiers: Orphanet 2143, MedGen C1857277, MONDO:0009104, OMIM 222448.

Allele frequency attached by ClinVar (database versions not stated): gnomAD exomes 0.00015 and 0.00043; ExAC 0.00054; gnomAD 0.00161 and 0.00170; ESP Exome Variant Server 0.00177; TOPMed 0.00179; 1000 Genomes Project 0.00240; 1000 Genomes Project 30x 0.00250.
gnomAD v4.1: 475 of 1,614,186 alleles (0.029%); highest among the groups gnomAD compares: African/African-American, 0.55%; 1 homozygote.

Submissions (7):

Labcorp Genetics (formerly Invitae), Labcorp
Classification: Likely benign. Last evaluated: 2026-01-25. Review status: criteria provided, single submitter. Criteria: Invitae Variant Classification Sherloc (09022015). Collection method: clinical testing. Allele origin: germline.

Mayo Clinic Laboratories, Mayo Clinic
Classification: Likely benign. Last evaluated: 2025-07-27. Review status: criteria provided, single submitter. Criteria: ACMG Guidelines, 2015. Collection method: clinical testing. Allele origin: germline. Observed: 1 variant allele.
Comment: BS1, BP4

Blueprint Genetics
Classification: Likely benign. Last evaluated: 2024-05-31. Review status: criteria provided, single submitter. Criteria: ACMG Guidelines, 2015. Collection method: clinical testing. Allele origin: germline.

Fulgent Genetics
Classification: Likely benign for Donnai-Barrow syndrome. Last evaluated: 2021-07-12. Review status: criteria provided, single submitter. Criteria: ACMG Guidelines, 2015. Collection method: clinical testing. Allele origin: unknown.

Illumina Laboratory Services, Illumina
Classification: Likely benign for Donnai-Barrow syndrome. Last evaluated: 2018-01-13. Review status: criteria provided, single submitter. Criteria: ICSL Variant Classification Criteria 13 December 2019. Collection method: clinical testing. Allele origin: germline.
Comment: This variant was observed in the ICSL laboratory as part of a predisposition screen in an ostensibly healthy population. It had not been previously curated by ICSL or reported in the Human Gene Mutation Database (HGMD: prior to June 1st, 2018), and was therefore a candidate for classification through an automated scoring system. Utilizing variant allele frequency, disease prevalence and penetrance estimates, and inheritance mode, an automated score was calculated to assess if this variant is too frequent to cause the disease. Based on the score and internal cut-off values, a variant classified as likely benign is not then subjected to further curation. The score for this variant resulted in a classification of likely benign for this disease.

PreventionGenetics, part of Exact Sciences
Classification: Likely benign for LRP2-related condition. Last evaluated: 2019-05-30. Review status: no assertion criteria provided. Collection method: clinical testing. Allele origin: germline. Not counted in ClinVar's aggregate classification.
Comment: This variant is classified as likely benign based on ACMG/AMP sequence variant interpretation guidelines (Richards et al. 2015 PMID: 25741868, with internal and published modifications).

Department of Pathology and Laboratory Medicine, Sinai Health System
Classification: Benign. Review status: no assertion criteria provided. Collection method: clinical testing. Allele origin: unknown. Affected: yes. Study: The Canadian Open Genetics Repository (COGR). Not counted in ClinVar's aggregate classification.
Comment: The LRP2 p.Asn1041Ser variant was not identified in the literature. The variant was identified in dbSNP (ID: rs143028579), ClinVar (classified as uncertain significance by Illumina and likely benign by Invitae), and LOVD 3.0. The variant was identified in control databases in 158 of 282872 chromosomes (1 homozygous) at a frequency of 0.0005586 increasing the likelihood this could be a low frequency benign variant (Genome Aggregation Database March 6, 2019, v2.1.1). The variant was observed in the following populations: African in 145 of 24968 chromosomes (freq: 0.005807), Latino in 9 of 35436 chromosomes (freq: 0.000254), East Asian in 1 of 19954 chromosomes (freq: 0.00005) and European (non-Finnish) in 3 of 129180 chromosomes (freq: 0.000023), but was not observed in the Ashkenazi Jewish, European (Finnish), Other, or South Asian populations. The p.Asn1041 residue is not conserved in mammals and computational analyses (PolyPhen-2, SIFT, AlignGVGD, BLOSUM, MutationTaster) do not suggest a high likelihood of impact to the protein; however, this information is not predictive enough to rule out pathogenicity. The variant occurs outside of the splicing consensus sequence and in silico or computational prediction software programs (SpliceSiteFinder, MaxEntScan, NNSPLICE, GeneSplicer) do not predict a difference in splicing. In summary, based on the above information this variant meets our laboratory's criteria to be classified as benign.